The following is an entry in ClinVar:

ClinVar aggregate classification (germline): Uncertain significance (1 of 4 stars; one submission).

Submission:

Labcorp Genetics (formerly Invitae), Labcorp
Classification: Uncertain significance. Last evaluated: 2025-08-18. Review status: criteria provided, single submitter. Criteria: Invitae Variant Classification Sherloc (09022015). Collection method: clinical testing. Allele origin: germline.
Comment: This variant, c.366_395del, results in the deletion of 10 amino acid(s) of the MNX1 protein (p.Ala125_Ala134del), but otherwise preserves the integrity of the reading frame. The frequency data for this variant in the population databases is considered unreliable, as metrics indicate insufficient coverage at this position in the gnomAD database. This variant has not been reported in the literature in individuals affected with MNX1-related conditions. This variant has been observed in at least one individual who was not affected with MNX1-related conditions (internal data). ClinVar contains an entry for this variant (Variation ID: 2180254). Experimental studies and prediction algorithms are not available or were not evaluated, and the functional significance of this variant is currently unknown. In summary, the available evidence is currently insufficient to determine the role of this variant in disease. Therefore, it has been classified as a Variant of Uncertain Significance.

NM_005515.4(MNX1):c.366_395del (p.Ala125_Ala134del)

Gene: MNX1 (motor neuron and pancreas homeobox 1; minus strand). Cytogenetic location: 7q36.3.
Variant type: Deletion.
Coding change: c.366_395del on transcript NM_005515.4 (MANE Select); coding-DNA positions 366 to 395, 30 bases deleted (GGCCGCTGCCGCCGCCGCCGCCGCCGCCGC).
Protein change: p.Ala125_Ala134del.
Molecular consequence: inframe deletion.
Genome position (GRCh38, 1-based): chr7:157,009,956-157,009,985, GCGGCGGCGGCGGCGGCGGCGGCAGCGGCC deleted on the plus strand (GGCCGCTGCCGCCGCCGCCGCCGCCGCCGC on the coding strand, the reverse complement: MNX1 is on the minus strand); deleting any 30 consecutive bases within chr7:157,009,956-157,009,987 gives the same sequence; the c. name uses the placement nearest the transcript's 3' end. VCF-style (leftmost placement, unchanged base first): chr7-157009955-GGCGGCGGCGGCGGCGGCGGCGGCAGCGGCC-G. GRCh37 (hg19) VCF-style: chr7-156802649-GGCGGCGGCGGCGGCGGCGGCGGCAGCGGCC-G.
Identifiers: ClinVar variation 2180254 (VCV002180254.4), dbSNP rs2537780938, ClinGen allele CA2579076244.
Genomic context (GRCh38, chr7:157,009,955, plus strand): 5'-GAGGCCCGCGCCGCCCTGCGCGCCCCCAGGGTGCAGCCCCAGCGCCAGGCCCCCAGCGGC[GGCGGCGGCGGCGGCGGCGGCGGCAGCGGCC>G]GCTGCGCCCGGATGCGCGTGGTGGTGGGGCCCCCCGTGCCCGCCGCCCGTGCCGCCGCCG-3'